The following is an entry in ClinVar:

NM_144596.4(TTC8):c.194A>G (p.Asp65Gly)

Gene: TTC8 (tetratricopeptide repeat domain 8; plus strand). Cytogenetic location: 14q31.3.
Variant type: single nucleotide variant.
Coding change: c.194A>G on transcript NM_144596.4 (MANE Select); coding-DNA position 194, A replaced by G.
Protein change: p.Asp65Gly; replaces aspartic acid 65 with glycine.
Molecular consequence: missense variant. On other transcripts: 5 prime UTR variant (2), non-coding transcript variant (1).
Genome position (GRCh38, 1-based): chr14:88,839,501, A>G. VCF-style: chr14-88839501-A-G. GRCh37 (hg19) VCF-style: chr14-89305845-A-G.
Other names: p.Asp55Gly; c.164A>G, p.Asp55Gly (NM_198309.3, NM_001288781.1, NM_001366535.2 and 2 more transcripts); c.-399A>G (NM_001288782.1); c.-494A>G (NM_001288783.1); short protein forms D65G, D55G.
Identifiers: ClinVar variation 262515 (VCV000262515.30), dbSNP rs114557412, ClinGen allele CA7302389.

ClinVar aggregate classification (germline): Conflicting classifications of pathogenicity. Review status: criteria provided, conflicting classifications (1 of 4 stars). 10 submissions from 9 submitters: Uncertain significance (3); Benign (3); Likely benign (4). Last evaluated 2026-05-01.

Conditions:
Retinitis pigmentosa (RP). Identifiers: Orphanet 791, MedGen C0035334, MeSH D012174, MONDO:0019200, OMIM 268000. Inheritance: Autosomal dominant, autosomal recessive and X linked inheritance.
Bardet-Biedl syndrome (BBS). Identifiers: Orphanet 110, MedGen C0752166, MONDO:0015229.
Bardet-Biedl syndrome 8 (BBS8). Identifiers: Orphanet 110, MedGen C1859566, MONDO:0014436, OMIM 615985.

Allele frequency attached by ClinVar (database versions not stated): gnomAD 0.00326 and 0.00354; ESP Exome Variant Server 0.00354; TOPMed 0.00372; 1000 Genomes Project 0.00399; 1000 Genomes Project 30x 0.00422.
gnomAD v4.1: 1,035 of 1,613,350 alleles (0.064%); highest among the groups gnomAD compares: African/African-American, 1.2%; 8 homozygotes.

Submissions (14):

CeGaT Center for Human Genetics Tuebingen
Classification: Likely benign. Last evaluated: 2026-05-01. Review status: criteria provided, single submitter. Criteria: CeGaT Center For Human Genetics Tuebingen Variant Classification Criteria Version 2. Collection method: clinical testing. Allele origin: germline. Affected: yes. Observed: 2 variant alleles.
Comment: TTC8: BS1

Labcorp Genetics (formerly Invitae), Labcorp
Classification: Benign for Bardet-Biedl syndrome. Last evaluated: 2026-01-28. Review status: criteria provided, single submitter. Criteria: Invitae Variant Classification Sherloc (09022015). Collection method: clinical testing. Allele origin: germline.

Mayo Clinic Laboratories, Mayo Clinic
Classification: Likely benign. Last evaluated: 2025-06-19. Review status: criteria provided, single submitter. Criteria: ACMG Guidelines, 2015. Collection method: clinical testing. Allele origin: germline. Observed: 2 variant alleles.
Comment: BS1, BP5

Blueprint Genetics
Classification: Likely benign. Last evaluated: 2024-11-22. Review status: criteria provided, single submitter. Criteria: ACMG Guidelines, 2015. Collection method: clinical testing. Allele origin: germline.

Biomedical Genomics and Oncogenetics Laboratory, Institut Pasteur de Tunis, University Tunis El Manar
Classification: Uncertain significance for Bardet-Biedl syndrome 8. Last evaluated: 2021-09-17. Review status: criteria provided, single submitter. Criteria: ACMG Guidelines, 2015. Collection method: research. Allele origin: germline. Affected: yes. Observed: 3 variant alleles.

New York Genome Center
Classification: Uncertain significance for Bardet-Biedl syndrome 8. Last evaluated: 2021-09-17. Review status: criteria provided, single submitter. Criteria: NYGC Assertion Criteria 2020. Collection method: clinical testing. Allele origin: germline. Observed: 1 heterozygote.

Illumina Laboratory Services, Illumina
Classification: Likely benign for Bardet-Biedl syndrome 8. Last evaluated: 2018-01-13. Review status: criteria provided, single submitter. Criteria: ICSL Variant Classification Criteria 13 December 2019. Collection method: clinical testing. Allele origin: germline.
Comment: This variant was observed in the ICSL laboratory as part of a predisposition screen in an ostensibly healthy population. It had not been previously curated by ICSL or reported in the Human Gene Mutation Database (HGMD: prior to June 1st, 2018), and was therefore a candidate for classification through an automated scoring system. Utilizing variant allele frequency, disease prevalence and penetrance estimates, and inheritance mode, an automated score was calculated to assess if this variant is too frequent to cause the disease. Based on the score and internal cut-off values, a variant classified as likely benign is not then subjected to further curation. The score for this variant resulted in a classification of likely benign for this disease.

Illumina Laboratory Services, Illumina
Classification: Uncertain significance for Retinitis pigmentosa. Last evaluated: 2018-01-13. Review status: criteria provided, single submitter. Criteria: ICSL Variant Classification Criteria 13 December 2019. Collection method: clinical testing. Allele origin: germline.

Genetic Services Laboratory, University of Chicago
Classification: Benign. Last evaluated: 2017-08-23. Review status: criteria provided, single submitter. Criteria: ACMG Guidelines, 2015. Collection method: clinical testing. Allele origin: germline. Affected: no.

PreventionGenetics, part of Exact Sciences
Classification: Benign. Review status: criteria provided, single submitter. Criteria: ACMG Guidelines, 2015. Collection method: clinical testing. Allele origin: germline.

Dr. Peter K. Rogan Lab, Western University
No classification provided (evidence only). Condition: Uterine corpus endometrial carcinoma. Review status: no classification provided. Collection method: in vitro. Allele origin: not applicable. Functional consequence: skipped exon. Not counted in ClinVar's aggregate classification.

Dr. Peter K. Rogan Lab, Western University
No classification provided (evidence only). Condition: Uterine corpus endometrial carcinoma. Review status: no classification provided. Collection method: in vitro. Allele origin: not applicable. Functional consequence: skipped exon, retained intron. Not counted in ClinVar's aggregate classification.

Dr. Peter K. Rogan Lab, Western University
No classification provided (evidence only). Condition: Uterine corpus endometrial carcinoma. Review status: no classification provided. Collection method: in vitro. Allele origin: not applicable. Functional consequence: skipped exon, retained intron. Not counted in ClinVar's aggregate classification.

Dr. Peter K. Rogan Lab, Western University
No classification provided (evidence only). Condition: Uterine corpus endometrial carcinoma. Review status: no classification provided. Collection method: in vitro. Allele origin: not applicable. Functional consequence: retained intron. Not counted in ClinVar's aggregate classification.

Literature cited by the submitters: PubMed 31308072 (cited by Mayo Clinic Laboratories, Mayo Clinic); PubMed 38162681 (cited by Mayo Clinic Laboratories, Mayo Clinic); PubMed 30886724 (cited by Biomedical Genomics and Oncogenetics Laboratory, Institut Pasteur de Tunis, University Tunis El Manar).